The following is an entry in ClinVar:

ClinVar aggregate classification (germline): Likely benign. Review status: criteria provided, multiple submitters, no conflicts (2 of 4 stars). 4 submissions from 4 submitters: Likely benign (4). Last evaluated 2023-08-30.

Conditions:
Cardiac arrhythmia. Also called: Cardiac rhythm disease; Arrhythmia. Identifiers: MedGen C0003811, MONDO:0007263, HP:0011675.
Long QT syndrome (LQTS). Identifiers: MedGen C0023976, MeSH D008133, MONDO:0002442. Disease mechanism: loss of function. Inheritance: Various modes of inheritance.
Cardiovascular phenotype. Identifiers: MedGen CN230736.

Allele frequency attached by ClinVar (database versions not stated): gnomAD 0.00006.
gnomAD v4.1: 5 of 1,613,182 alleles (0.00031%); highest among the groups gnomAD compares: Non-Finnish European, 0.00034%; no homozygotes.

Submissions (4):

Ambry Genetics
Classification: Likely benign for Cardiovascular phenotype. Last evaluated: 2023-08-30. Review status: criteria provided, single submitter. Criteria: Ambry Variant Classification Scheme 2023. Collection method: clinical testing. Allele origin: germline.

All of Us Research Program, National Institutes of Health
Classification: Likely benign for Long QT syndrome. Last evaluated: 2023-08-15. Review status: criteria provided, single submitter. Criteria: ACMG Guidelines, 2015. Collection method: clinical testing. Allele origin: germline. Inheritance: Autosomal dominant inheritance. Observed: 2 variant alleles, 2 heterozygotes.
Comment: This study involves interpretation of variants in research participants for the purpose of population health screening. Participant phenotype was not available at the time of variant classification. Additional details can be found in publication PMID: 35346344, PMCID: PMC8962531

Labcorp Genetics (formerly Invitae), Labcorp
Classification: Likely benign for Long QT syndrome. Last evaluated: 2023-02-28. Review status: criteria provided, single submitter. Criteria: Invitae Variant Classification Sherloc (09022015). Collection method: clinical testing. Allele origin: germline.

Color Diagnostics, LLC DBA Color Health
Classification: Likely benign for Arrhythmia. Last evaluated: 2019-03-22. Review status: criteria provided, single submitter. Criteria: ACMG Guidelines, 2015. Collection method: clinical testing. Allele origin: germline.

NM_000238.4(KCNH2):c.1053G>C (p.Ser351=)

Gene: KCNH2 (potassium voltage-gated channel subfamily H member 2; minus strand). Cytogenetic location: 7q36.1.
Variant type: single nucleotide variant.
Coding change: c.1053G>C on transcript NM_000238.4 (MANE Select); coding-DNA position 1053, G replaced by C.
Protein change: p.Ser351=; no amino-acid change (serine 351 retained).
Molecular consequence: synonymous variant. On other transcripts: non-coding transcript variant (1).
Genome position (GRCh38, 1-based): chr7:150,957,366, C>G on the plus strand (G>C on the coding strand, the complement: KCNH2 is on the minus strand). VCF-style: chr7-150957366-C-G. GRCh37 (hg19) VCF-style: chr7-150654454-C-G.
Other names: c.765G>C, p.Ser255= (NM_001406753.1, NM_001406756.1); c.876G>C, p.Ser292= (NM_001406755.1); c.753G>C, p.Ser251= (NM_001406757.1); c.1053G>C, p.Ser351= (NM_172056.3).
Identifiers: ClinVar variation 743952 (VCV000743952.17), dbSNP rs766203252, ClinGen allele CA026748.
Genomic context (GRCh38, chr7:150,957,366, plus strand): 5'-AGTGACATTGTGGGTTCGCTCCTTTATCTTAGGTGCTATGATCTCACGGTCACTGGTGGG[C>G]GAAGCCAAGAAGGGGTCGCCCTTGAGGTCCACAAAGTTGAGGGTGATTTGGGGAATCTTG-3'
Protein context (NP_000229.1, residues 341-361): VDLKGDPFLA[Ser351=]PTSDREIIAP